The following is an entry in ClinVar:

NM_005732.4(RAD50):c.203A>C (p.His68Pro)

Gene: RAD50 (RAD50 double strand break repair protein; plus strand). Cytogenetic location: 5q31.1.
Variant type: single nucleotide variant.
Coding change: c.203A>C on transcript NM_005732.4 (MANE Select); coding-DNA position 203, A replaced by C.
Protein change: p.His68Pro; replaces histidine 68 with proline.
Molecular consequence: missense variant.
Genome position (GRCh38, 1-based): chr5:132,559,357, A>C. VCF-style: chr5-132559357-A-C. GRCh37 (hg19) VCF-style: chr5-131895049-A-C.
Other names: short protein forms H68P.
Identifiers: ClinVar variation 950586 (VCV000950586.8), dbSNP rs1580976267, ClinGen allele CA360953762.
Genomic context (GRCh38, chr5:132,559,357, plus strand): 5'-GTCTAAAATATATTTGTACTGGAGATTTCCCTCCTGGAACCAAAGGAAATACATTTGTAC[A>C]CGATCCCAAGGTAATGGTGCTAGTACAATTTTGTATTTTTATAATTATAAAAATGATAAT-3'
Protein context (NP_005723.2, residues 58-78): PPGTKGNTFV[His68Pro]DPKVAQETDV

ClinVar aggregate classification (germline): Uncertain significance (1 of 4 stars; one submission).

Conditions:
Hereditary cancer-predisposing syndrome. Also called: Tumor predisposition; Hereditary neoplastic syndrome; Neoplastic Syndromes, Hereditary; Hereditary Cancer Syndrome. Identifiers: Orphanet 140162, MedGen C0027672, MeSH D009386, MONDO:0015356.

Submission:

Labcorp Genetics (formerly Invitae), Labcorp
Classification: Uncertain significance for Hereditary cancer-predisposing syndrome. Last evaluated: 2021-10-18. Review status: criteria provided, single submitter. Criteria: Invitae Variant Classification Sherloc (09022015). Collection method: clinical testing. Allele origin: germline.
Comment: This variant is not present in population databases (gnomAD no frequency). In summary, the available evidence is currently insufficient to determine the role of this variant in disease. Therefore, it has been classified as a Variant of Uncertain Significance. Algorithms developed to predict the effect of missense changes on protein structure and function are either unavailable or do not agree on the potential impact of this missense change (SIFT: "Deleterious"; PolyPhen-2: "Probably Damaging"; Align-GVGD: "Class C0"). ClinVar contains an entry for this variant (Variation ID: 950586). This variant has not been reported in the literature in individuals affected with RAD50-related conditions. This sequence change replaces histidine, which is basic and polar, with proline, which is neutral and non-polar, at codon 68 of the RAD50 protein (p.His68Pro).